The following is an entry in ClinVar:

ClinVar aggregate classification (germline): Uncertain significance (1 of 4 stars; one submission).

Submission:

Labcorp Genetics (formerly Invitae), Labcorp
Classification: Uncertain significance. Last evaluated: 2024-01-16. Review status: criteria provided, single submitter. Criteria: Invitae Variant Classification Sherloc (09022015). Collection method: clinical testing. Allele origin: unknown.
Comment: A gross deletion of the genomic region encompassing the full coding sequence of the DIAPH3 gene has been identified. The current clinical and genetic evidence is not sufficient to establish whether loss-of-function variants in DIAPH3 cause disease. The boundaries of this event are unknown as they extend beyond the assayed region for this gene and therefore may encompass additional genes. This variant has not been reported in the literature in individuals affected with DIAPH3-related conditions. In summary, the available evidence is currently insufficient to determine the role of this variant in disease. Therefore, it has been classified as a Variant of Uncertain Significance.

NC_000013.10:g.(?_60240718)_(60738073_?)del

Gene: DIAPH3 (diaphanous related formin 3; minus strand). Cytogenetic location: 13q21.2.
Variant type: Deletion.
Identifiers: ClinVar variation 3244199 (VCV003244199.1).